The following is an entry in ClinVar:

NM_019066.5(MAGEL2):c.1054C>G (p.Pro352Ala)

Gene: MAGEL2 (MAGE family member L2; minus strand). Cytogenetic location: 15q11.2.
Variant type: single nucleotide variant.
Coding change: c.1054C>G on transcript NM_019066.5 (MANE Select); coding-DNA position 1054, C replaced by G.
Protein change: p.Pro352Ala; replaces proline 352 with alanine.
Molecular consequence: missense variant.
Genome position (GRCh38, 1-based): chr15:23,646,689, G>C on the plus strand (C>G on the coding strand, the complement: MAGEL2 is on the minus strand). VCF-style: chr15-23646689-G-C. GRCh37 (hg19) VCF-style: chr15-23891836-G-C.
Other names: short protein forms P352A.
Identifiers: ClinVar variation 1303269 (VCV001303269.10), dbSNP rs1045111596, ClinGen allele CA267660773.
Genomic context (GRCh38, chr15:23,646,689, plus strand): 5'-AGGTCGCCTGCCAGCCCGGGGGTGTGGCTAGCTGCGCTGGGGGTGCCTGCGGGCCCTGGG[G>C]AACCTGCGGAGGAGCCCTTATAACTTGAGACTGGATTTGCAGGATCAGAGGCTGAGCCTG-3'
Protein context (NP_061939.3, residues 342-362): SQVIRAPPQV[Pro352Ala]QGPQAPPAQL

ClinVar aggregate classification (germline): Conflicting classifications of pathogenicity. Review status: criteria provided, conflicting classifications (1 of 4 stars). 4 submissions from 4 submitters: Uncertain significance (2); Likely benign (1). 1 of the submissions does not count toward it. Last evaluated 2025-09-02.

Conditions:
Inborn genetic diseases. Identifiers: MedGen C0950123, MeSH D030342.
MAGEL2-related disorder. Also called: MAGEL2-related condition.

Allele frequency attached by ClinVar (database versions not stated): gnomAD 0.00004; gnomAD exomes 0.00008.
gnomAD v4.1: 24 of 1,521,272 alleles (0.0016%); highest among the groups gnomAD compares: Admixed American, 0.022%; no homozygotes.

Submissions (4):

Labcorp Genetics (formerly Invitae), Labcorp
Classification: Uncertain significance. Last evaluated: 2025-09-02. Review status: criteria provided, single submitter. Criteria: Invitae Variant Classification Sherloc (09022015). Collection method: clinical testing. Allele origin: germline.
Comment: This sequence change replaces proline, which is neutral and non-polar, with alanine, which is neutral and non-polar, at codon 352 of the MAGEL2 protein (p.Pro352Ala). This variant is present in population databases (no rsID available, gnomAD 0.03%). This variant has not been reported in the literature in individuals affected with MAGEL2-related conditions. ClinVar contains an entry for this variant (Variation ID: 1303269). Experimental studies and prediction algorithms are not available or were not evaluated, and the functional significance of this variant is currently unknown. In summary, the available evidence is currently insufficient to determine the role of this variant in disease. Therefore, it has been classified as a Variant of Uncertain Significance.

Ambry Genetics
Classification: Likely benign for Inborn genetic diseases. Last evaluated: 2025-01-10. Review status: criteria provided, single submitter. Criteria: Ambry Variant Classification Scheme 2023. Collection method: clinical testing. Allele origin: germline.

GeneDx
Classification: Uncertain significance. Last evaluated: 2020-07-17. Review status: criteria provided, single submitter. Criteria: GeneDx Variant Classification Process June 2021. Collection method: clinical testing. Allele origin: germline. Affected: yes.
Comment: In silico analysis, which includes protein predictors and evolutionary conservation, supports that this variant does not alter protein structure/function; Has not been previously published as pathogenic or benign to our knowledge

PreventionGenetics, part of Exact Sciences
Classification: Likely benign for MAGEL2-related condition. Last evaluated: 2024-03-05. Review status: no assertion criteria provided. Collection method: clinical testing. Allele origin: germline. Not counted in ClinVar's aggregate classification.
Comment: This variant is classified as likely benign based on ACMG/AMP sequence variant interpretation guidelines (Richards et al. 2015 PMID: 25741868, with internal and published modifications).